The following is an entry in ClinVar:

NM_001042492.3(NF1):c.4322del (p.Lys1440_Leu1441insTer)

Gene: NF1 (neurofibromin 1; plus strand). Cytogenetic location: 17q11.2.
Variant type: Deletion.
Coding change: c.4322del on transcript NM_001042492.3 (MANE Select); coding-DNA position 4322, one base deleted (T; older notation c.4322delT).
Protein change: p.Lys1440_Leu1441insTer.
Molecular consequence: nonsense. On other transcripts: frameshift variant (1).
Genome position (GRCh38, 1-based): chr17:31,258,492, T deleted; the last of 2 consecutive T bases (chr17:31,258,491-31,258,492); deleting either gives the same sequence. VCF-style (leftmost placement, unchanged base first): chr17-31258490-GT-G. GRCh37 (hg19) VCF-style: chr17-29585508-GT-G.
Other names: c.4259del, p.Lys1419_Leu1420insTer (NM_000267.4); c.4322delT, p.Leu1441Terfs (NM_001042492.2).
Identifiers: ClinVar variation 4876704 (VCV004876704.1).

ClinVar aggregate classification (germline): Pathogenic (1 of 4 stars; one submission).

Conditions:
Neurofibromatosis, type 1 (NF1). Also called: Peripheral type neurofibromatosis; Neurofibromatosis, type I; VON RECKLINGHAUSEN DISEASE; NEUROFIBROMATOSIS, TYPE I, SOMATIC. Identifiers: Orphanet 636, MedGen C0027831, MONDO:0018975, OMIM 162200. Disease mechanism: loss of function.

Submission:

KCCC/NGS Laboratory, Kuwait Cancer Control Center
Classification: Pathogenic for Neurofibromatosis, type 1. Last evaluated: 2026-07-06. Review status: criteria provided, single submitter. Criteria: ACMG Guidelines, 2015. Collection method: clinical testing. Allele origin: germline. Inheritance: Autosomal dominant inheritance. Affected: yes.
Comment: A novel pathogenic variant was detected in NF1 gene (c.4322delT, NM_001042492.2). This sequence change creates a premature translational stop signal (p.Leu1441*) in the NF1 gene. It is expected to result in an absent or disrupted protein product. This variant is not present in population databases (gnomAD no frequency). Loss‐of function variants in NF1 are known to be pathogenic (PMID: 10712197, 23913538). ClinVar not contains any entry for this variant but include c.4322T>G which lead to same stop in the NF1 gene and classified as pathogenic. For these reasons, this variant has been classified as Pathogenic.